The following is an entry in ClinVar:

NM_006361.6(HOXB13):c.612G>T (p.Gly204=)

Gene: HOXB13 (homeobox B13; minus strand). Cytogenetic location: 17q21.32.
Variant type: single nucleotide variant.
Coding change: c.612G>T on transcript NM_006361.6 (MANE Select); coding-DNA position 612, G replaced by T.
Protein change: p.Gly204=; no amino-acid change (glycine 204 retained).
Molecular consequence: synonymous variant.
Genome position (GRCh38, 1-based): chr17:48,727,033, C>A on the plus strand (G>T on the coding strand, the complement: HOXB13 is on the minus strand). VCF-style: chr17-48727033-C-A. GRCh37 (hg19) VCF-style: chr17-46804395-C-A.
Identifiers: ClinVar variation 3526280 (VCV003526280.2).

ClinVar aggregate classification (germline): Benign/Likely benign. Review status: criteria provided, multiple submitters, no conflicts (2 of 4 stars). 2 submissions from 2 submitters: Benign (1); Likely benign (1). Last evaluated 2024-10-30.

Conditions:
Prostate cancer, hereditary, 9 (HPC9). Identifiers: Orphanet 1331, MedGen C1970250, MONDO:0012597, OMIM 610997.
Hereditary cancer-predisposing syndrome. Also called: Hereditary Cancer Syndrome; Hereditary neoplastic syndrome; Tumor predisposition; Neoplastic Syndromes, Hereditary. Identifiers: Orphanet 140162, MedGen C0027672, MeSH D009386, MONDO:0015356.

Submissions (2):

Myriad Genetics, Inc.
Classification: Benign for Prostate cancer, hereditary, 9. Last evaluated: 2024-10-30. Review status: criteria provided, single submitter. Criteria: Myriad Autosomal Dominant, Autosomal Recessive and X-Linked Classification Criteria (2023). Collection method: clinical testing. Allele origin: unknown.
Comment: This variant is considered benign. This variant is a silent/synonymous amino acid change and it is not expected to impact splicing.

Ambry Genetics
Classification: Likely benign for Hereditary cancer-predisposing syndrome. Last evaluated: 2024-06-27. Review status: criteria provided, single submitter. Criteria: Ambry Variant Classification Scheme 2023. Collection method: clinical testing. Allele origin: germline.